The following is an entry in ClinVar:

ClinVar aggregate classification (germline): Uncertain significance (1 of 4 stars; one submission).

Allele frequency attached by ClinVar (database versions not stated): TOPMed below 0.00001; ExAC 0.00004.
gnomAD v4.1: 6 of 1,573,046 alleles (0.00038%); highest among the groups gnomAD compares: Admixed American, 0.0074%; no homozygotes.

Submission:

Labcorp Genetics (formerly Invitae), Labcorp
Classification: Uncertain significance. Last evaluated: 2023-09-27. Review status: criteria provided, single submitter. Criteria: Invitae Variant Classification Sherloc (09022015). Collection method: clinical testing. Allele origin: germline.
Comment: This sequence change replaces cysteine, which is neutral and slightly polar, with phenylalanine, which is neutral and non-polar, at codon 69 of the FBN3 protein (p.Cys69Phe). The frequency data for this variant in the population databases is considered unreliable, as metrics indicate poor data quality at this position in the gnomAD database. This variant has not been reported in the literature in individuals affected with FBN3-related conditions. ClinVar contains an entry for this variant (Variation ID: 1961477). An algorithm developed to predict the effect of missense changes on protein structure and function (PolyPhen-2) suggests that this variant is likely to be disruptive. In summary, the available evidence is currently insufficient to determine the role of this variant in disease. Therefore, it has been classified as a Variant of Uncertain Significance.

NM_032447.5(FBN3):c.206G>T (p.Cys69Phe)

Gene: FBN3 (fibrillin 3; minus strand). Cytogenetic location: 19p13.2.
Variant type: single nucleotide variant.
Coding change: c.206G>T on transcript NM_032447.5 (MANE Select); coding-DNA position 206, G replaced by T.
Protein change: p.Cys69Phe; replaces cysteine 69 with phenylalanine.
Molecular consequence: missense variant.
Genome position (GRCh38, 1-based): chr19:8,147,148, C>A on the plus strand (G>T on the coding strand, the complement: FBN3 is on the minus strand). VCF-style: chr19-8147148-C-A. GRCh37 (hg19) VCF-style: chr19-8212032-C-A.
Other names: c.206G>T, p.Cys69Phe (NM_001321431.2); short protein forms C69F.
Identifiers: ClinVar variation 1961477 (VCV001961477.5), dbSNP rs750438157, ClinGen allele CA9153829.